The following is an entry in ClinVar:

NM_000441.2(SLC26A4):c.259G>T (p.Asp87Tyr)

Gene: SLC26A4 (solute carrier family 26 member 4; plus strand). Cytogenetic location: 7q22.3.
Variant type: single nucleotide variant.
Coding change: c.259G>T on transcript NM_000441.2 (MANE Select); coding-DNA position 259, G replaced by T.
Protein change: p.Asp87Tyr; replaces aspartic acid 87 with tyrosine.
Molecular consequence: missense variant.
Genome position (GRCh38, 1-based): chr7:107,663,390, G>T. VCF-style: chr7-107663390-G-T. GRCh37 (hg19) VCF-style: chr7-107303835-G-T.
Other names: short protein forms D87Y.
Identifiers: ClinVar variation 552777 (VCV000552777.10), dbSNP rs1554352718, ClinGen allele CA368845588.

ClinVar aggregate classification (germline): Pathogenic/Likely pathogenic. Review status: criteria provided, multiple submitters, no conflicts (2 of 4 stars). 6 submissions from 6 submitters: Pathogenic (3); Likely pathogenic (2). 1 of the submissions does not count toward it. Last evaluated 2025-09-10.

Conditions:
SLC26A4-related disorder. Also called: SLC26A4-related condition; SLC26A4-related disorders.
Autosomal recessive nonsyndromic hearing loss 4 (DFNB4). Also called: FOXI1-Related Pendred Syndrome; KCNJ10-Related Pendred Syndrome; DEAFNESS, AUTOSOMAL RECESSIVE 4, WITH ENLARGED VESTIBULAR AQUEDUCT, DIGENIC; NEUROSENSORY NONSYNDROMIC RECESSIVE DEAFNESS 4; Deafness, autosomal recessive 4; Enlarged vestibular aqueduct, digenic. Identifiers: Orphanet 90636, MedGen C3538946, MONDO:0010933, OMIM 600791.
Pendred syndrome (PDS). Also called: Pendred's syndrome; THYROID DYSHORMONOGENESIS 2B; THYROID HORMONOGENESIS, GENETIC DEFECT IN, 2B; Pendred Syndrome (PDS); DEAFNESS WITH GOITER; GOITER-DEAFNESS SYNDROME. Identifiers: Orphanet 705, MedGen C0271829, MONDO:0010134, OMIM 274600.

Allele frequency attached by ClinVar (database versions not stated): gnomAD 0.00001.
gnomAD v4.1: 1 of 1,614,036 alleles (0.000062%); highest among the groups gnomAD compares: Admixed American, 0.0017%; no homozygotes.

Submissions (6):

Women's Health and Genetics/Laboratory Corporation of America, LabCorp
Classification: Pathogenic for Pendred syndrome. Last evaluated: 2025-09-10. Review status: criteria provided, single submitter. Criteria: LabCorp Variant Classification Summary - May 2015. Collection method: clinical testing. Allele origin: germline.
Comment: Variant summary: SLC26A4 c.259G>T (p.Asp87Tyr) results in a non-conservative amino acid change in the encoded protein sequence. Algorithms developed to predict the effect of missense changes on protein structure and function all suggest that this variant is likely to be disruptive. The variant was absent in 251482 control chromosomes. c.259G>T has been observed in multiple compound heterozygous individuals affected with Pendred Syndrome or Deafness (Zhao_2009, Zhao_2014, Chen_2014, Yuan_2012). These data indicate that the variant is very likely to be associated with disease. At least one publication reports experimental evidence evaluating an impact on protein function (Yuan_2012). The most pronounced variant effect results in significantly reduced transport activity. The following publications have been ascertained in the context of this evaluation (PMID: 24612839, 22412181, 23185506, 25372295, 19199245). ClinVar contains an entry for this variant (Variation ID: 552777). Based on the evidence outlined above, the variant was classified as pathogenic.

Blueprint Genetics
Classification: Likely pathogenic for SLC26A4-related disorders. Last evaluated: 2024-10-24. Review status: criteria provided, single submitter. Criteria: ACMG Guidelines, 2015. Collection method: clinical testing. Allele origin: germline. Affected: yes. Observed: 1 variant allele.

Fulgent Genetics
Classification: Likely pathogenic for Pendred syndrome; Autosomal recessive nonsyndromic hearing loss 4. Last evaluated: 2024-03-12. Review status: criteria provided, single submitter. Criteria: ACMG Guidelines, 2015. Collection method: clinical testing. Allele origin: germline.

GeneDx
Classification: Pathogenic. Last evaluated: 2023-07-25. Review status: criteria provided, single submitter. Criteria: GeneDx Variant Classification Process June 2021. Collection method: clinical testing. Allele origin: germline. Affected: yes.
Comment: Published functional studies demonstrate a damaging effect on protein expression levels and transporter activity (PMID: 23185506); Not observed at significant frequency in large population cohorts (gnomAD); In silico analysis supports that this missense variant has a deleterious effect on protein structure/function; This variant is associated with the following publications: (PMID: 25372295, 19199245, 34410491, 33907123, 30275481, 27771369, 22412181, 24612839, 23185506)

Labcorp Genetics (formerly Invitae), Labcorp
Classification: Pathogenic. Last evaluated: 2022-05-12. Review status: criteria provided, single submitter. Criteria: Invitae Variant Classification Sherloc (09022015). Collection method: clinical testing. Allele origin: germline.
Comment: For these reasons, this variant has been classified as Pathogenic. Experimental studies have shown that this missense change affects SLC26A4 function (PMID: 23185506). Advanced modeling of protein sequence and biophysical properties (such as structural, functional, and spatial information, amino acid conservation, physicochemical variation, residue mobility, and thermodynamic stability) performed at Invitae indicates that this missense variant is expected to disrupt SLC26A4 protein function. ClinVar contains an entry for this variant (Variation ID: 552777). This missense change has been observed in individuals with deafness (PMID: 19199245, 24612839, 25372295). This variant is not present in population databases (gnomAD no frequency). This sequence change replaces aspartic acid, which is acidic and polar, with tyrosine, which is neutral and polar, at codon 87 of the SLC26A4 protein (p.Asp87Tyr).

Counsyl
Classification: Likely pathogenic for Pendred syndrome. Last evaluated: 2017-07-05. Review status: no assertion criteria provided. Collection method: clinical testing. Allele origin: unknown. Not counted in ClinVar's aggregate classification.

Literature cited by the submitters: PubMed 24612839 (cited by 3 submitters); PubMed 23185506 (cited by 3 submitters); PubMed 25372295 (cited by Women's Health and Genetics/Laboratory Corporation of America, LabCorp and Labcorp Genetics (formerly Invitae), Labcorp); PubMed 19199245 (cited by 3 submitters); PubMed 22412181 (cited by Women's Health and Genetics/Laboratory Corporation of America, LabCorp); PubMed 27771369 (cited by Counsyl).